The following is an entry in ClinVar:

NM_001040716.2(PC):c.1564_1565insAG (p.Pro522fs)

Gene: PC (pyruvate carboxylase; minus strand). Cytogenetic location: 11q13.2.
Variant type: Insertion.
Coding change: c.1564_1565insAG on transcript NM_001040716.2 (MANE Select); coding-DNA positions 1564 to 1565, AG inserted.
Protein change: p.Pro522fs; shifts the reading frame from proline 522.
Molecular consequence: frameshift variant.
Genome position: GRCh38 VCF-style: chr11-66852785-G-GCT. GRCh37 (hg19) VCF-style: chr11-66620256-G-GCT.
Other names: c.1564_1565insAG, p.Pro522fs (NM_000920.4, NM_022172.3); short protein forms P522fs.
Identifiers: ClinVar variation 1725821 (VCV001725821.2), dbSNP rs2495494758, ClinGen allele CA2580084617.
Genomic context (GRCh38, chr11:66,852,785, plus strand): 5'-TGACAGAATGGATCTCACCTACCTATGGGCACTGCAGGGACAACGGGGTCCGTGGGGCTG[G>GCT]GGCTGGCCTTGACGGGAATCGGGGTGGTTGGACCGTTTACCATGACATGGCCTGGGGAGA-3'

ClinVar aggregate classification (germline): Likely pathogenic (1 of 4 stars; one submission).

Conditions:
Pyruvate carboxylase deficiency. Also called: ATAXIA WITH LACTIC ACIDOSIS II; LEIGH NECROTIZING ENCEPHALOPATHY DUE TO PYRUVATE CARBOXYLASE DEFICIENCY; LEIGH SYNDROME DUE TO PYRUVATE CARBOXYLASE DEFICIENCY; PC DEFICIENCY; Pyruvate Carboxylase Deficiency Disease. Identifiers: Orphanet 3008, MedGen C0034341, MONDO:0009949, OMIM 266150.

Submission:

Myriad Genetics, Inc.
Classification: Likely pathogenic for Pyruvate carboxylase deficiency. Last evaluated: 2022-04-01. Review status: criteria provided, single submitter. Criteria: Myriad Women's Health Autosomal Recessive and X-Linked Classification Criteria (2021). Collection method: clinical testing. Allele origin: unknown.
Comment: NM_000920.3(PC):c.1564_1565insAG(P522Qfs*14) is expected to be pathogenic in the context of pyruvate carboxylase deficiency. This variant is predicted to lead to an abnormal or absent protein product due to the creation of a premature termination codon in PC, a gene where loss-of-function variants are known to be pathogenic. Please note: this variant was assessed in the context of healthy population screening.